The following is an entry in ClinVar:

NM_014956.5(CEP164):c.3741G>T (p.Gln1247His)

Gene: CEP164 (centrosomal protein 164; plus strand). Cytogenetic location: 11q23.3.
Variant type: single nucleotide variant.
Coding change: c.3741G>T on transcript NM_014956.5 (MANE Select); coding-DNA position 3741, G replaced by T.
Protein change: p.Gln1247His; replaces glutamine 1247 with histidine.
Molecular consequence: missense variant. On other transcripts: intron variant (1).
Genome position (GRCh38, 1-based): chr11:117,409,021, G>T. VCF-style: chr11-117409021-G-T. GRCh37 (hg19) VCF-style: chr11-117279737-G-T.
Other names: c.3733+17G>T (NM_001271933.2); short protein forms Q1247H.
Identifiers: ClinVar variation 838715 (VCV000838715.8), dbSNP rs963921685, ClinGen allele CA229374286.

ClinVar aggregate classification (germline): Uncertain significance. Review status: criteria provided, multiple submitters, no conflicts (2 of 4 stars). 2 submissions from 2 submitters: Uncertain significance (2). Last evaluated 2025-09-10.

Conditions:
Nephronophthisis 15 (NPHP15). Identifiers: Orphanet 3156, MedGen C3541853, MONDO:0013917, OMIM 614845.
CEP164-related disorder. Also called: CEP164-related condition.

Allele frequency attached by ClinVar (database versions not stated): gnomAD 0.00001; gnomAD exomes 0.00001; TOPMed 0.00002.
gnomAD v4.1: 5 of 1,613,928 alleles (0.00031%); highest among the groups gnomAD compares: Admixed American, 0.0083%; no homozygotes.

Submissions (2):

PreventionGenetics, part of Exact Sciences
Classification: Uncertain significance for CEP164-related condition. Last evaluated: 2025-09-10. Review status: criteria provided, single submitter. Criteria: ACMG Guidelines, 2015. Collection method: clinical testing. Allele origin: germline.
Comment: The CEP164 c.3741G>T variant is predicted to result in the amino acid substitution p.Gln1247His. To our knowledge, this variant has not been reported in the literature. This variant is reported in 0.0058% of alleles in individuals of Latino descent in gnomAD. At this time, the clinical significance of this variant is uncertain due to the absence of conclusive functional and genetic evidence.

Labcorp Genetics (formerly Invitae), Labcorp
Classification: Uncertain significance for Nephronophthisis 15. Last evaluated: 2021-09-02. Review status: criteria provided, single submitter. Criteria: Invitae Variant Classification Sherloc (09022015). Collection method: clinical testing. Allele origin: germline.
Comment: This sequence change replaces glutamine with histidine at codon 1247 of the CEP164 protein (p.Gln1247His). The glutamine residue is weakly conserved and there is a small physicochemical difference between glutamine and histidine. This variant is not present in population databases (ExAC no frequency). This variant has not been reported in the literature in individuals affected with CEP164-related conditions. Algorithms developed to predict the effect of missense changes on protein structure and function are either unavailable or do not agree on the potential impact of this missense change (SIFT: "Deleterious"; PolyPhen-2: "Benign"; Align-GVGD: "Class C0"). In summary, the available evidence is currently insufficient to determine the role of this variant in disease. Therefore, it has been classified as a Variant of Uncertain Significance.